The following is an entry in ClinVar:

NM_015450.3(POT1):c.869+4del

Gene: POT1 (protection of telomeres 1; minus strand). Cytogenetic location: 7q31.33.
Variant type: Deletion.
Coding change: c.869+4del on transcript NM_015450.3 (MANE Select); 4 bases into the intron after coding-DNA position 869, one base deleted (A; older notation c.869+4delA).
Molecular consequence: intron variant.
Genome position (GRCh38, 1-based): chr7:124,852,968, T deleted on the plus strand (A on the coding strand, the reverse complement: POT1 is on the minus strand); the first of 2 consecutive T bases (chr7:124,852,968-124,852,969); deleting either gives the same sequence. VCF-style (leftmost placement, unchanged base first): chr7-124852967-CT-C. GRCh37 (hg19) VCF-style: chr7-124493021-CT-C.
Other names: c.476+4del (NM_001042594.2).
Identifiers: ClinVar variation 1027277 (VCV001027277.14), dbSNP rs1445280218, ClinGen allele CA832776076.

ClinVar aggregate classification (germline): Conflicting classifications of pathogenicity. Review status: criteria provided, conflicting classifications (1 of 4 stars). 3 submissions from 3 submitters: Pathogenic (2); Uncertain significance (1). Last evaluated 2025-12-23.

Conditions:
Long telomere syndrome.
Tumor predisposition syndrome 3 (TPDS3). Also called: Glioma susceptibility 9; LONG TELOMERE SYNDROME, POT1-RELATED; POT1 Tumor Predisposition; Melanoma, cutaneous malignant, susceptibility to, 10. Identifiers: Orphanet 618, MedGen C4014476, MONDO:0014368, OMIM 615848.
Hereditary cancer-predisposing syndrome. Also called: Neoplastic Syndromes, Hereditary; Hereditary Cancer Syndrome; Hereditary neoplastic syndrome; Tumor predisposition. Identifiers: Orphanet 140162, MedGen C0027672, MeSH D009386, MONDO:0015356.

Submissions (3):

The Telomere Center at Johns Hopkins, Johns Hopkins University School of Medicine
Classification: Pathogenic for Long Telomere Syndrome. Last evaluated: 2025-12-23. Review status: criteria provided, single submitter. Criteria: Davidson-Swinton et al. (Blood. 2026). Collection method: clinical testing. Allele origin: germline. Affected: yes.

Ambry Genetics
Classification: Uncertain significance for Hereditary cancer-predisposing syndrome. Last evaluated: 2025-11-20. Review status: criteria provided, single submitter. Criteria: Ambry Variant Classification Scheme 2023. Collection method: clinical testing. Allele origin: germline.
Comment: The c.869+4delA intronic variant is located 4 nucleotides after coding exon 6 of the POT1 gene. This variant results from a deletion of one nucleotide at position c.869+4. This nucleotide position is highly conserved in available vertebrate species. In addition, in silico splice site analysis predicts that this alteration will weaken the native splice donor site; however, direct evidence is insufficient at this time (Ambry internal data). Based on the available evidence, the clinical significance of this variant remains unclear.

Labcorp Genetics (formerly Invitae), Labcorp
Classification: Pathogenic for Tumor predisposition syndrome 3. Last evaluated: 2025-06-22. Review status: criteria provided, single submitter. Criteria: Invitae Variant Classification Sherloc (09022015). Collection method: clinical testing. Allele origin: germline.
Comment: This sequence change falls in intron 10 of the POT1 gene. It does not directly change the encoded amino acid sequence of the POT1 protein. RNA analysis indicates that this variant induces altered splicing and may result in an absent or altered protein product. This variant is not present in population databases (gnomAD no frequency). This variant has not been reported in the literature in individuals affected with POT1-related conditions. ClinVar contains an entry for this variant (Variation ID: 1027277). Variants that disrupt the consensus splice site are a relatively common cause of aberrant splicing (PMID: 17576681, 9536098). Studies have shown that this variant results in skipping of exon 10, and produces a non-functional protein and/or introduces a premature termination codon (internal data). For these reasons, this variant has been classified as Pathogenic.

Literature cited by the submitters: PubMed 17576681 (cited by Labcorp Genetics (formerly Invitae), Labcorp); PubMed 9536098 (cited by Labcorp Genetics (formerly Invitae), Labcorp).